The following is an entry in ClinVar:

ClinVar aggregate classification (germline): Likely benign (1 of 4 stars; one submission).

Submission:

CeGaT Center for Human Genetics Tuebingen
Classification: Likely benign. Last evaluated: 2025-05-01. Review status: criteria provided, single submitter. Criteria: CeGaT Center For Human Genetics Tuebingen Variant Classification Criteria Version 2. Collection method: clinical testing. Allele origin: germline. Affected: yes. Observed: 1 variant allele.
Comment: GARS1: PM2:Supporting, BP4, BP7

NM_002047.4(GARS1):c.1104G>A (p.Val368=)

Gene: GARS1 (glycyl-tRNA synthetase 1; plus strand). Cytogenetic location: 7p14.3.
Variant type: single nucleotide variant.
Coding change: c.1104G>A on transcript NM_002047.4 (MANE Select); coding-DNA position 1104, G replaced by A.
Protein change: p.Val368=; no amino-acid change (valine 368 retained).
Molecular consequence: synonymous variant.
Genome position (GRCh38, 1-based): chr7:30,615,968, G>A. VCF-style: chr7-30615968-G-A. GRCh37 (hg19) VCF-style: chr7-30655584-G-A.
Other names: c.942G>A, p.Val314= (NM_001316772.1).
Identifiers: ClinVar variation 3905984 (VCV003905984.10).